The following is an entry in ClinVar:

NM_000878.5(IL2RB):c.1501C>T (p.Pro501Ser)

Gene: IL2RB (interleukin 2 receptor subunit beta; minus strand). Cytogenetic location: 22q12.3.
Variant type: single nucleotide variant.
Coding change: c.1501C>T on transcript NM_000878.5 (MANE Select); coding-DNA position 1501, C replaced by T.
Protein change: p.Pro501Ser; replaces proline 501 with serine.
Molecular consequence: missense variant.
Genome position (GRCh38, 1-based): chr22:37,128,251, G>A on the plus strand (C>T on the coding strand, the complement: IL2RB is on the minus strand). VCF-style: chr22-37128251-G-A. GRCh37 (hg19) VCF-style: chr22-37524291-G-A.
Other names: c.1501C>T, p.Pro501Ser (NM_001346222.1, NM_001346223.2); short protein forms P501S.
Identifiers: ClinVar variation 1986857 (VCV001986857.4), dbSNP rs753021407, ClinGen allele CA10216313.
Genomic context (GRCh38, chr22:37,128,251, plus strand): 5'-CCCCCTGCCCAGGAGGCCTGGACCAGGGGAAACTGACTCCCTCCCTGGGGCCAGCGTCAG[G>A]GACCTCCTCCCCAGCCTCTCGCAGCACCAGCTCAGGGGGTGGCTGAAAATCCACCAGGTC-3'
Protein context (NP_000869.1, residues 491-511): LVLREAGEEV[Pro501Ser]DAGPREGVSF

ClinVar aggregate classification (germline): Uncertain significance (1 of 4 stars; one submission).

Allele frequency attached by ClinVar (database versions not stated): gnomAD exomes below 0.00001; ExAC 0.00001; gnomAD 0.00001; TOPMed 0.00001.
gnomAD v4.1: 2 of 1,500,016 alleles (0.00013%); highest among the groups gnomAD compares: Non-Finnish European, 0.00018%; no homozygotes.

Submission:

Labcorp Genetics (formerly Invitae), Labcorp
Classification: Uncertain significance. Last evaluated: 2025-08-29. Review status: criteria provided, single submitter. Criteria: Invitae Variant Classification Sherloc (09022015). Collection method: clinical testing. Allele origin: germline.
Comment: This sequence change replaces proline, which is neutral and non-polar, with serine, which is neutral and polar, at codon 501 of the IL2RB protein (p.Pro501Ser). This variant is present in population databases (rs753021407, gnomAD 0.002%). This variant has not been reported in the literature in individuals affected with IL2RB-related conditions. ClinVar contains an entry for this variant (Variation ID: 1986857). An algorithm developed to predict the effect of missense changes on protein structure and function outputs the following: PolyPhen-2: "Benign". The serine amino acid residue is found in multiple mammalian species, which suggests that this missense change does not adversely affect protein function. In summary, the available evidence is currently insufficient to determine the role of this variant in disease. Therefore, it has been classified as a Variant of Uncertain Significance.